The following is an entry in ClinVar:

NM_000059.4(BRCA2):c.3749A>G (p.Glu1250Gly)

Gene: BRCA2 (BRCA2 DNA repair associated; plus strand). Cytogenetic location: 13q13.1.
Variant type: single nucleotide variant.
Coding change: c.3749A>G on transcript NM_000059.4 (MANE Select); coding-DNA position 3749, A replaced by G.
Protein change: p.Glu1250Gly; replaces glutamic acid 1250 with glycine.
Molecular consequence: missense variant.
Genome position (GRCh38, 1-based): chr13:32,338,104, A>G. VCF-style: chr13-32338104-A-G. GRCh37 (hg19) VCF-style: chr13-32912241-A-G.
Other names: p.E1250G:GAA>GGA; short protein forms E1250G.
Identifiers: ClinVar variation 51515 (VCV000051515.37), dbSNP rs56400215, ClinGen allele CA018716.
Genomic context (GRCh38, chr13:32,338,104, plus strand): 5'-CTACTGAAGCTCTGCAAAAAGCTGTGAAACTGTTTAGTGATATTGAGAATATTAGTGAGG[A>G]AACTTCTGCAGAGGTACATCCAATAAGTTTATCTTCAAGTAAATGTCATGATTCTGTTGT-3'
Protein context (NP_000050.3, residues 1240-1260): LFSDIENISE[Glu1250Gly]TSAEVHPISL

ClinVar aggregate classification (germline): Conflicting classifications of pathogenicity. Review status: criteria provided, conflicting classifications (1 of 4 stars). 12 submissions from 12 submitters: Uncertain significance (3); Benign (1); Likely benign (6). 2 of the submissions do not count toward it. Last evaluated 2026-09-11.

Conditions:
Inherited breast cancer and ovarian cancer.
Hereditary cancer-predisposing syndrome. Also called: Hereditary Cancer Syndrome; Neoplastic Syndromes, Hereditary; Hereditary neoplastic syndrome; Tumor predisposition. Identifiers: Orphanet 140162, MedGen C0027672, MeSH D009386, MONDO:0015356.
Hereditary breast ovarian cancer syndrome. Also called: Hereditary breast and/or ovarian cancer syndrome; Hereditary breast and ovarian cancer syndrome (HBOC); Hereditary breast and ovarian cancer syndrome; Breast and ovarian cancer; BRCA1- and BRCA2-Associated Hereditary Breast and Ovarian Cancer; Hereditary breast and ovarian cancer. Identifiers: Orphanet 145, MedGen C0677776, MeSH D061325, MONDO:0003582. Disease mechanism: loss of function.
Breast-ovarian cancer, familial, susceptibility to, 2 (BROVCA2). Also called: BRCA2 Hereditary Breast and Ovarian Cancer. Identifiers: Orphanet 145, MedGen C2675520, MONDO:0012933, OMIM 612555. Disease mechanism: loss of function.

Allele frequency attached by ClinVar (database versions not stated): gnomAD exomes below 0.00001 and 0.00002; TOPMed 0.00003; gnomAD 0.00004.
gnomAD v4.1: 34 of 1,610,200 alleles (0.0021%); highest among the groups gnomAD compares: Non-Finnish European, 0.0027%; no homozygotes.

Submissions (12):

Cambridge Genomics Laboratory, East Genomic Laboratory Hub, NHS Genomic Medicine Service
Classification: Benign for Inherited breast cancer and ovarian cancer. Last evaluated: 2026-09-11. Review status: criteria provided, single submitter. Criteria: ACGS Best Practice Guidelines for Variant Classification in Rare Disease 2020. Collection method: clinical testing. Allele origin: germline. Affected: yes.
Comment: BP1_Strong,BP4,BP5_Moderate

German Consortium for Hereditary Breast and Ovarian Cancer, University Hospital Cologne
Classification: Likely benign for Hereditary breast ovarian cancer syndrome. Last evaluated: 2026-04-14. Review status: criteria provided, single submitter. Criteria: ClinGen BRCA2 1.2.0. Collection method: curation. Allele origin: germline.
Comment: This classification follows the ClinGen ENIGMA BRCA2 v1.2.0 classification scheme; We chose these criteria: BP1 (strong benign): missense variant outside a (potentially) clinically important functional domain AND no splicing predicted (SpliceAI = 0), BP5 (medium benign): Combined LR score 0.1054 PMID: 31131967

Labcorp Genetics (formerly Invitae), Labcorp
Classification: Likely benign for Hereditary breast ovarian cancer syndrome. Last evaluated: 2026-02-02. Review status: criteria provided, single submitter. Criteria: Invitae Variant Classification Sherloc (09022015). Collection method: clinical testing. Allele origin: germline.

Women's Health and Genetics/Laboratory Corporation of America, LabCorp
Classification: Uncertain significance. Last evaluated: 2025-11-03. Review status: criteria provided, single submitter. Criteria: LabCorp Variant Classification Summary - May 2015. Collection method: clinical testing. Allele origin: germline.
Comment: Variant summary: BRCA2 c.3749A>G (p.Glu1250Gly) results in a non-conservative amino acid change in the encoded protein sequence. Algorithms developed to predict the effect of missense changes on protein structure and function are either unavailable or do not agree on the potential impact of this missense change. The variant allele was found at a frequency of 4e-06 in 246920 control chromosomes. The available data on variant occurrences in the general population are insufficient to allow any conclusion about variant significance. c.3749A>G has been reported in the literature in individuals affected with Breast and/or Ovarian Cancer (e.g. Caux-Moncoutier_2011, Lu_2012, Zuntini_2018, Dorling_2021). These reports do not provide unequivocal conclusions about association of the variant with Hereditary Breast And Ovarian Cancer Syndrome. To our knowledge, no experimental evidence demonstrating an impact on protein function has been reported. The following publications have been ascertained in the context of this evaluation (PMID: 21120943, 22476429, 30254663, 33471991). ClinVar contains an entry for this variant (Variation ID: 51515). Based on the evidence outlined above, the variant was classified as uncertain significance.

Quest Diagnostics Nichols Institute San Juan Capistrano
Classification: Uncertain significance. Last evaluated: 2025-04-07. Review status: criteria provided, single submitter. Criteria: Quest Diagnostics criteria. Collection method: clinical testing. Allele origin: unknown.
Comment: The BRCA2 c.3749A>G (p.Glu1250Gly) variant has been reported in the published literature in individuals with breast and/ or ovarian cancer (PMID: 21120943 (2011), 30254663 (2018), 33471991 (2021), see also LOVD), and reportedly unaffected individuals (PMID: 33471991 (2021), see also LOVD). This variant has also been described to be located in a region of the BRCA2 gene that is tolerant to missense sequence changes (PMID: 31911673 (2020)). The frequency of this variant in the general population (Genome Aggregation Database) is uninformative in the assessment of its pathogenicity. Analysis of this variant using bioinformatics tools for the prediction of the effect of amino acid changes on protein structure and function yielded predictions that this variant is benign. Based on the available information, we are unable to determine the clinical significance of this variant.

GeneDx
Classification: Uncertain significance. Last evaluated: 2024-12-02. Review status: criteria provided, single submitter. Criteria: GeneDx Variant Classification Process June 2021. Collection method: clinical testing. Allele origin: germline. Affected: yes.
Comment: Not observed at significant frequency in large population cohorts (gnomAD); In silico analysis supports that this missense variant has a deleterious effect on protein structure/function; Observed in individuals with a personal and/or family history of breast and/or ovarian cancer (PMID: 21120943, 30254663, 22476429, 33471991); Also known as 3977A>G; This variant is associated with the following publications: (PMID: 21120943, 22476429, 25556971, 30254663, 31131967, 33471991, 29884841, 32377563)

Ambry Genetics
Classification: Likely benign for Hereditary cancer-predisposing syndrome. Last evaluated: 2024-10-03. Review status: criteria provided, single submitter. Criteria: Ambry Variant Classification Scheme 2023. Collection method: clinical testing. Allele origin: germline.

All of Us Research Program, National Institutes of Health
Classification: Likely benign for Breast-ovarian cancer, familial, susceptibility to, 2. Last evaluated: 2023-10-23. Review status: criteria provided, single submitter. Criteria: ACMG Guidelines, 2015. Collection method: clinical testing. Allele origin: germline. Inheritance: Autosomal dominant inheritance. Observed: 3 variant alleles, 3 heterozygotes.
Comment: This study involves interpretation of variants in research participants for the purpose of population health screening. Participant phenotype was not available at the time of variant classification. Additional details can be found in publication PMID: 35346344, PMCID: PMC8962531

University of Washington Department of Laboratory Medicine, University of Washington
Classification: Likely benign for Hereditary cancer-predisposing syndrome. Last evaluated: 2023-03-23. Review status: criteria provided, single submitter. Criteria: Dines et al. (Genet Med. 2020). Collection method: curation. Allele origin: germline.
Comment: Missense variant in a coldspot region where missense variants are very unlikely to be pathogenic (PMID:31911673).

BRCA2 exon 11 coldspot. Reclassification based on statistical prior probability.

Color Diagnostics, LLC DBA Color Health
Classification: Likely benign for Hereditary cancer-predisposing syndrome. Last evaluated: 2016-05-02. Review status: criteria provided, single submitter. Criteria: ACMG Guidelines, 2015. Collection method: clinical testing. Allele origin: germline.

Department of Medical and Surgical Sciences, University of Bologna
Classification: Likely benign for Breast-ovarian cancer, familial, susceptibility to, 2. Last evaluated: 2023-09-01. Review status: no assertion criteria provided. Collection method: clinical testing. Allele origin: germline. Affected: yes. Not counted in ClinVar's aggregate classification.
Comment: BP1(Strong)+BP5(Moderate) according to ACMG/AMP classification guidelines specified for BRCA1 & BRCA2 (Classification Criteria V1.0.0 2023-09-08) (PMID: 38160042)

Breast Cancer Information Core (BIC) (BRCA2)
Classification: Uncertain significance for Breast-ovarian cancer, familial 2. Last evaluated: 2004-02-20. Review status: no assertion criteria provided. Collection method: clinical testing. Allele origin: germline. Affected: yes. Observed: 2 variant alleles. Not counted in ClinVar's aggregate classification.

Literature cited by the submitters: PubMed 21120943 (cited by 3 submitters); PubMed 22476429 (cited by 3 submitters); PubMed 30254663 (cited by 3 submitters); PubMed 33471991 (cited by 3 submitters); PubMed 31911673 (cited by Quest Diagnostics Nichols Institute San Juan Capistrano).